The following is an entry in ClinVar:

NM_005732.4(RAD50):c.3618+5G>C

Genes: TH2-LCR (Th2 cytokine locus control region; plus strand), RAD50 (RAD50 double strand break repair protein; plus strand), TH2LCRR (T helper type 2 locus control region associated RNA; minus strand). Cytogenetic location: 5q31.1.
Variant type: single nucleotide variant.
Coding change: c.3618+5G>C on transcript NM_005732.4 (MANE Select); 5 bases into the intron after coding-DNA position 3618, G replaced by C.
Molecular consequence: intron variant. On other transcripts: non-coding transcript variant (3).
Genome position (GRCh38, 1-based): chr5:132,638,228, G>C. VCF-style: chr5-132638228-G-C. GRCh37 (hg19) VCF-style: chr5-131973920-G-C.
Identifiers: ClinVar variation 2851097 (VCV002851097.3), dbSNP rs1554100971, ClinGen allele CA446353499.

ClinVar aggregate classification (germline): Uncertain significance (1 of 4 stars; one submission).

Conditions:
Hereditary cancer-predisposing syndrome. Also called: Neoplastic Syndromes, Hereditary; Hereditary Cancer Syndrome; Tumor predisposition; Hereditary neoplastic syndrome. Identifiers: Orphanet 140162, MedGen C0027672, MeSH D009386, MONDO:0015356.

Submission:

Labcorp Genetics (formerly Invitae), Labcorp
Classification: Uncertain significance for Hereditary cancer-predisposing syndrome. Last evaluated: 2023-03-31. Review status: criteria provided, single submitter. Criteria: Invitae Variant Classification Sherloc (09022015). Collection method: clinical testing. Allele origin: germline.
Comment: This variant is not present in population databases (gnomAD no frequency). In summary, the available evidence is currently insufficient to determine the role of this variant in disease. Therefore, it has been classified as a Variant of Uncertain Significance. Variants that disrupt the consensus splice site are a relatively common cause of aberrant splicing (PMID: 17576681, 9536098). Algorithms developed to predict the effect of sequence changes on RNA splicing suggest that this variant may disrupt the consensus splice site. This variant has not been reported in the literature in individuals affected with RAD50-related conditions. This sequence change falls in intron 23 of the RAD50 gene. It does not directly change the encoded amino acid sequence of the RAD50 protein. It affects a nucleotide within the consensus splice site.

Literature cited by the submitters: PubMed 17576681; PubMed 9536098.